The following is an entry in ClinVar:

ClinVar aggregate classification (germline): Uncertain significance (1 of 4 stars; one submission).

Conditions:
Hereditary cancer-predisposing syndrome. Also called: Tumor predisposition; Hereditary Cancer Syndrome; Neoplastic Syndromes, Hereditary; Hereditary neoplastic syndrome. Identifiers: Orphanet 140162, MedGen C0027672, MeSH D009386, MONDO:0015356.

Submission:

Color Diagnostics, LLC DBA Color Health
Classification: Uncertain significance for Hereditary cancer-predisposing syndrome. Last evaluated: 2024-03-06. Review status: criteria provided, single submitter. Criteria: ACMG Guidelines, 2015. Collection method: clinical testing. Allele origin: germline.
Comment: This missense variant replaces proline with alanine at codon 92 of the MSH6 protein. Computational prediction suggests that this variant may not impact protein structure and function (internally defined REVEL score threshold <= 0.5, PMID: 27666373). To our knowledge, functional studies have not been reported for this variant. This variant has not been reported in individuals affected with hereditary cancer in the literature. This variant has not been identified in the general population by the Genome Aggregation Database (gnomAD). The available evidence is insufficient to determine the role of this variant in disease conclusively. Therefore, this variant is classified as a Variant of Uncertain Significance.

NM_000179.3(MSH6):c.274C>G (p.Pro92Ala)

Gene: MSH6 (mutS homolog 6; plus strand). Cytogenetic location: 2p16.3.
Variant type: single nucleotide variant.
Coding change: c.274C>G on transcript NM_000179.3 (MANE Select); coding-DNA position 274, C replaced by G.
Protein change: p.Pro92Ala; replaces proline 92 with alanine.
Molecular consequence: missense variant. On other transcripts: 5 prime UTR variant (2), intron variant (1).
Genome position (GRCh38, 1-based): chr2:47,790,940, C>G. VCF-style: chr2-47790940-C-G. GRCh37 (hg19) VCF-style: chr2-48018079-C-G.
Other names: c.-463C>G (NM_001281493.2); c.-629C>G (NM_001281494.2); c.237+7470C>G (NM_001281492.2); short protein forms P92A.
Identifiers: ClinVar variation 1331822 (VCV001331822.3), dbSNP rs2104099000, ClinGen allele CA346736511.
Genomic context (GRCh38, chr2:47,790,940, plus strand): 5'-AACTTGACCAAATATTAACTAAGTTATGTATTTCCTTTTGGCAACAGTTGTGACTTCTCA[C>G]CAGGAGATTTGGTTTGGGCCAAGATGGAGGGTTACCCCTGGTGGCCTTGTCTGGTTTACA-3'
Protein context (NP_000170.1, residues 82-102): PAAPTSCDFS[Pro92Ala]GDLVWAKMEG